The following is an entry in ClinVar:

NM_005087.4(FXR1):c.36C>T (p.Asn12=)

Gene: FXR1 (FMR1 autosomal homolog 1; plus strand). Cytogenetic location: 3q26.33.
Variant type: single nucleotide variant.
Coding change: c.36C>T on transcript NM_005087.4 (MANE Select); coding-DNA position 36, C replaced by T.
Protein change: p.Asn12=; no amino-acid change (asparagine 12 retained).
Molecular consequence: synonymous variant. On other transcripts: 5 prime UTR variant (2).
Genome position (GRCh38, 1-based): chr3:180,912,721, C>T. VCF-style: chr3-180912721-C-T. GRCh37 (hg19) VCF-style: chr3-180630509-C-T.
Other names: c.36C>T, p.Asn12= (NM_001013438.3); c.-564C>T (NM_001013439.3, NM_001363882.1).
Identifiers: ClinVar variation 2654294 (VCV002654294.24), dbSNP rs201247137, ClinGen allele CA2716349.

ClinVar aggregate classification (germline): Likely benign (1 of 4 stars; one submission).

Allele frequency attached by ClinVar (database versions not stated): ExAC 0.00001; gnomAD exomes 0.00001.
gnomAD v4.1: 9 of 1,613,864 alleles (0.00056%); highest among the groups gnomAD compares: East Asian, 0.0045%; no homozygotes.

Submission:

CeGaT Center for Human Genetics Tuebingen
Classification: Likely benign. Last evaluated: 2022-06-01. Review status: criteria provided, single submitter. Criteria: CeGaT Center For Human Genetics Tuebingen Variant Classification Criteria Version 2. Collection method: clinical testing. Allele origin: germline. Affected: yes. Observed: 1 variant allele.
Comment: FXR1: BP4, BP7